The following is an entry in ClinVar:

ClinVar aggregate classification (germline): Uncertain significance (1 of 4 stars; one submission).

Allele frequency attached by ClinVar (database versions not stated): gnomAD 0.00001; TOPMed 0.00001.

Submission:

CeGaT Center for Human Genetics Tuebingen
Classification: Uncertain significance. Last evaluated: 2024-01-01. Review status: criteria provided, single submitter. Criteria: CeGaT Center For Human Genetics Tuebingen Variant Classification Criteria Version 2. Collection method: clinical testing. Allele origin: germline. Affected: yes. Observed: 1 variant allele.
Comment: RINL: PM2, BP4

NM_001195833.2(RINL):c.1327C>G (p.Arg443Gly)

Gene: RINL (Ras and Rab interactor like; minus strand). Cytogenetic location: 19q13.2.
Variant type: single nucleotide variant.
Coding change: c.1327C>G on transcript NM_001195833.2 (MANE Select); coding-DNA position 1327, C replaced by G.
Protein change: p.Arg443Gly; replaces arginine 443 with glycine.
Molecular consequence: missense variant.
Genome position (GRCh38, 1-based): chr19:38,869,958, G>C on the plus strand (C>G on the coding strand, the complement: RINL is on the minus strand). VCF-style: chr19-38869958-G-C. GRCh37 (hg19) VCF-style: chr19-39360598-G-C.
Other names: c.985C>G, p.Arg329Gly (NM_198445.4); short protein forms R329G, R443G.
Identifiers: ClinVar variation 3026970 (VCV003026970.22), dbSNP rs755254038, ClinGen allele CA405723115.